The following is an entry in ClinVar:

NM_000069.3(CACNA1S):c.5279G>C (p.Gly1760Ala)

Gene: CACNA1S (calcium voltage-gated channel subunit alpha1 S; minus strand). Cytogenetic location: 1q32.1.
Variant type: single nucleotide variant.
Coding change: c.5279G>C on transcript NM_000069.3 (MANE Select); coding-DNA position 5279, G replaced by C.
Protein change: p.Gly1760Ala; replaces glycine 1760 with alanine.
Molecular consequence: missense variant.
Genome position (GRCh38, 1-based): chr1:201,040,322, C>G on the plus strand (G>C on the coding strand, the complement: CACNA1S is on the minus strand). VCF-style: chr1-201040322-C-G. GRCh37 (hg19) VCF-style: chr1-201009450-C-G.
Other names: short protein forms G1760A.
Identifiers: ClinVar variation 1478364 (VCV001478364.5), dbSNP rs554208789, ClinGen allele CA083795.
Genomic context (GRCh38, chr1:201,040,322, plus strand): 5'-GAGCACCTGGAAGTATTCTCCCTGGTGCTCCTGCTGTGGGGTGTCTCCTCATGAAGAGAC[C>G]CTGGTGTGGAGCTCTTTCTGTCCTCAGGCATGGAGGACTCCACCCTGGGGCACTGTTCCA-3'
Protein context (NP_000060.2, residues 1750-1770): MPEDRKSSTP[Gly1760Ala]SLHEETPHSR

ClinVar aggregate classification (germline): Uncertain significance. Review status: criteria provided, multiple submitters, no conflicts (2 of 4 stars). 2 submissions from 2 submitters: Uncertain significance (2). Last evaluated 2024-04-10.

Conditions:
Hypokalemic periodic paralysis, type 1. Also called: HypoPP; Hypokalemic Periodic Paralysis Type 1 (AD). Identifiers: Orphanet 681, MedGen C3714580, MONDO:0042979, OMIM 170400.
Malignant hyperthermia, susceptibility to, 5 (MHS5). Also called: CACNA1S-Related Malignant Hyperthermia Susceptibility. Identifiers: Orphanet 423, MedGen C1866077, MONDO:0011163, OMIM 601887.

Allele frequency attached by ClinVar (database versions not stated): gnomAD exomes below 0.00001; ExAC 0.00001; gnomAD 0.00001; TOPMed 0.00002; 1000 Genomes Project 30x 0.00016; 1000 Genomes Project 0.00020.
gnomAD v4.1: 4 of 1,613,804 alleles (0.00025%); highest among the groups gnomAD compares: Admixed American, 0.0067%; no homozygotes.

Submissions (2):

Color Diagnostics, LLC DBA Color Health
Classification: Uncertain significance for Malignant hyperthermia, susceptibility to, 5. Last evaluated: 2024-04-10. Review status: criteria provided, single submitter. Criteria: ACMG Guidelines, 2015. Collection method: clinical testing. Allele origin: germline.
Comment: This missense variant replaces glycine with alanine at codon 1760 of the CACNA1S protein. Computational prediction suggests that this variant may not impact protein structure and function. To our knowledge, functional studies have not been reported for this variant. This variant has not been reported in individuals affected with CACNA1S-related disorders in the literature. This variant has been identified in 1/250410 chromosomes in the general population by the Genome Aggregation Database (gnomAD). The available evidence is insufficient to determine the role of this variant in disease conclusively. Therefore, this variant is classified as a Variant of Uncertain Significance.

Labcorp Genetics (formerly Invitae), Labcorp
Classification: Uncertain significance for Hypokalemic periodic paralysis, type 1; Malignant hyperthermia, susceptibility to, 5. Last evaluated: 2022-03-22. Review status: criteria provided, single submitter. Criteria: Invitae Variant Classification Sherloc (09022015). Collection method: clinical testing. Allele origin: germline.
Comment: In summary, the available evidence is currently insufficient to determine the role of this variant in disease. Therefore, it has been classified as a Variant of Uncertain Significance. Advanced modeling of protein sequence and biophysical properties (such as structural, functional, and spatial information, amino acid conservation, physicochemical variation, residue mobility, and thermodynamic stability) performed at Invitae indicates that this missense variant is not expected to disrupt CACNA1S protein function. This variant has not been reported in the literature in individuals affected with CACNA1S-related conditions. This variant is present in population databases (rs554208789, gnomAD 0.006%). This sequence change replaces glycine, which is neutral and non-polar, with alanine, which is neutral and non-polar, at codon 1760 of the CACNA1S protein (p.Gly1760Ala).